The following is an entry in ClinVar:

NM_000642.3(AGL):c.3347G>A (p.Arg1116His)

Gene: AGL (amylo-alpha-1,6-glucosidase and 4-alpha-glucanotransferase; plus strand). Cytogenetic location: 1p21.2.
Variant type: single nucleotide variant.
Coding change: c.3347G>A on transcript NM_000642.3 (MANE Select); coding-DNA position 3347, G replaced by A.
Protein change: p.Arg1116His; replaces arginine 1116 with histidine.
Molecular consequence: missense variant.
Genome position (GRCh38, 1-based): chr1:99,896,373, G>A. VCF-style: chr1-99896373-G-A. GRCh37 (hg19) VCF-style: chr1-100361929-G-A.
Other names: c.3347G>A, p.Arg1116His (NM_000028.3, NM_000643.3, NM_000644.3 and 1 more transcripts); c.3299G>A, p.Arg1100His (NM_000646.3); c.3326G>A, p.Arg1109His (NM_001425326.1); c.3146G>A, p.Arg1049His (NM_001425327.1); c.3143G>A, p.Arg1048His (NM_001425328.1); c.3008G>A, p.Arg1003His (NM_001425329.1); c.2969G>A, p.Arg990His (NM_001425332.1); short protein forms R1100H, R1116H, R1003H, R1048H, R1049H, R1109H, R990H.
Identifiers: ClinVar variation 1362745 (VCV001362745.9), dbSNP rs746779518, ClinGen allele CA967053.

ClinVar aggregate classification (germline): Uncertain significance. Review status: criteria provided, multiple submitters, no conflicts (2 of 4 stars). 4 submissions from 4 submitters: Uncertain significance (4). Last evaluated 2026-08-12.

Conditions:
Glycogen storage disease type III (GSD3). Also called: Cori disease; FORBES DISEASE. Identifiers: Orphanet 366, MedGen C0017922, MONDO:0009291, OMIM 232400.
AGL-related disorder. Also called: AGL-related condition.
Inborn genetic diseases. Identifiers: MedGen C0950123, MeSH D030342.

gnomAD v4.1: 60 of 1,613,348 alleles (0.0037%); highest among the groups gnomAD compares: South Asian, 0.037%; no homozygotes.

Submissions (4):

PreventionGenetics, part of Exact Sciences
Classification: Uncertain significance for AGL-related condition. Last evaluated: 2026-08-12. Review status: criteria provided, single submitter. Criteria: ACMG Guidelines, 2015. Collection method: clinical testing. Allele origin: germline.
Comment: The AGL c.3347G>A variant is predicted to result in the amino acid substitution p.Arg1116His. To our knowledge, this variant has not been reported in the literature. This variant is reported in 0.023% of alleles in individuals of South Asian descent in gnomAD. At this time, the clinical significance of this variant is uncertain due to the absence of conclusive functional and genetic evidence.

Ambry Genetics
Classification: Uncertain significance for Inborn genetic diseases. Last evaluated: 2025-10-22. Review status: criteria provided, single submitter. Criteria: Ambry Variant Classification Scheme 2023. Collection method: clinical testing. Allele origin: germline.

Labcorp Genetics (formerly Invitae), Labcorp
Classification: Uncertain significance for Glycogen storage disease type III. Last evaluated: 2024-08-19. Review status: criteria provided, single submitter. Criteria: Invitae Variant Classification Sherloc (09022015). Collection method: clinical testing. Allele origin: germline.
Comment: This sequence change replaces arginine, which is basic and polar, with histidine, which is basic and polar, at codon 1116 of the AGL protein (p.Arg1116His). This variant is present in population databases (rs746779518, gnomAD 0.02%). This variant has not been reported in the literature in individuals affected with AGL-related conditions. ClinVar contains an entry for this variant (Variation ID: 1362745). Invitae Evidence Modeling of protein sequence and biophysical properties (such as structural, functional, and spatial information, amino acid conservation, physicochemical variation, residue mobility, and thermodynamic stability) has been performed for this missense variant. However, the output from this modeling did not meet the statistical confidence thresholds required to predict the impact of this variant on AGL protein function. In summary, the available evidence is currently insufficient to determine the role of this variant in disease. Therefore, it has been classified as a Variant of Uncertain Significance.

Genome-Nilou Lab
Classification: Uncertain significance for Glycogen storage disease type III. Last evaluated: 2023-04-11. Review status: criteria provided, single submitter. Criteria: ACMG Guidelines, 2015. Collection method: clinical testing. Allele origin: germline. Affected: no.